The following is an entry in ClinVar:

ClinVar aggregate classification (germline): Conflicting classifications of pathogenicity. Review status: criteria provided, conflicting classifications (1 of 4 stars). 6 submissions from 6 submitters: Uncertain significance (4); Likely benign (1). 1 of the submissions does not count toward it. Last evaluated 2026-06-01.

Conditions:
Medulloblastoma (MDB). Also called: Medulloblastoma, somatic; MEDULLOBLASTOMA PREDISPOSITION SYNDROME. Identifiers: Orphanet 616, MedGen C0025149, MeSH D008527, MONDO:0007959, OMIM 155255, HP:0002885.
Familial dysautonomia. Also called: HSAN III; FD. Identifiers: Orphanet 1764, MedGen C0013364, MONDO:0009131, OMIM 223900. Disease mechanism: loss of function.

Submissions (6):

CeGaT Center for Human Genetics Tuebingen
Classification: Likely benign. Last evaluated: 2026-06-01. Review status: criteria provided, single submitter. Criteria: CeGaT Center For Human Genetics Tuebingen Variant Classification Criteria Version 2. Collection method: clinical testing. Allele origin: germline. Affected: yes. Observed: 1 variant allele.
Comment: ELP1: PM4:Supporting, BS1

Labcorp Genetics (formerly Invitae), Labcorp
Classification: Uncertain significance. Last evaluated: 2026-02-01. Review status: criteria provided, single submitter. Criteria: Invitae Variant Classification Sherloc (09022015). Collection method: clinical testing. Allele origin: germline.
Comment: This variant, c.1439_1441del, results in the deletion of 1 amino acid(s) of the ELP1 protein (p.Pro480del), but otherwise preserves the integrity of the reading frame. This variant is present in population databases (rs746116617, gnomAD 0.02%). This variant has not been reported in the literature in individuals affected with ELP1-related conditions. Experimental studies and prediction algorithms are not available or were not evaluated, and the functional significance of this variant is currently unknown. In summary, the available evidence is currently insufficient to determine the role of this variant in disease. Therefore, it has been classified as a Variant of Uncertain Significance.

GeneDx
Classification: Uncertain significance. Last evaluated: 2024-12-14. Review status: criteria provided, single submitter. Criteria: GeneDx Variant Classification Process June 2021. Collection method: clinical testing. Allele origin: germline. Affected: yes.
Comment: In-frame deletion of 1 amino acid(s) in a non-repeat region; In silico analysis supports a deleterious effect on protein structure/function; Has not been previously published as a pathogenic or benign germline variant to our knowledge; This variant is associated with the following publications: (PMID: 26773040)

Fulgent Genetics
Classification: Uncertain significance for Medulloblastoma; Familial dysautonomia. Last evaluated: 2024-01-15. Review status: criteria provided, single submitter. Criteria: ACMG Guidelines, 2015. Collection method: clinical testing. Allele origin: germline.

Ambry Genetics
Classification: Uncertain significance. Last evaluated: 2023-03-10. Review status: criteria provided, single submitter. Criteria: Ambry Variant Classification Scheme 2023. Collection method: clinical testing. Allele origin: germline.
Comment: The c.1439_1441delCTC (p.P480del) alteration is located in exon 13 (coding exon 12) of the IKBKAP gene. This alteration consists of an in-frame deletion of 3 nucleotides between nucleotide positions c.1439 and c.1441, resulting in the deletion of 1 residue. Based on insufficient or conflicting evidence, the clinical significance of this alteration remains unclear.

Natera, Inc.
Classification: Uncertain significance for Familial dysautonomia. Last evaluated: 2020-09-16. Review status: no assertion criteria provided. Collection method: clinical testing. Allele origin: germline. Not counted in ClinVar's aggregate classification.

NM_003640.5(ELP1):c.1436CTC[1] (p.Pro480del)

Gene: ELP1 (elongator acetyltransferase complex subunit 1; minus strand). Cytogenetic location: 9q31.3.
Variant type: Microsatellite.
Coding change: c.1436CTC[1] on transcript NM_003640.5 (MANE Select); one copy of the 3-base unit CTC starting at c.1436; the reference has two copies in a row; one copy, 3 bases deleted; also written c.1439_1441del.
Protein change: p.Pro480del; deletes proline 480.
Molecular consequence: inframe deletion.
Genome position (GRCh38, 1-based): chr9:108,908,324-108,908,326, GAG deleted on the plus strand (CTC on the coding strand, the reverse complement: ELP1 is on the minus strand); deleting any 3 consecutive bases within chr9:108,908,324-108,908,329 gives the same sequence; the position shown is the placement nearest the transcript's 3' end. VCF-style (leftmost placement, unchanged base first): chr9-108908323-TGAG-T. GRCh37 (hg19) VCF-style: chr9-111670603-TGAG-T.
Other names: c.1439_1441del (NM_003640.5); c.1094CTC[1], p.Pro366del (NM_001318360.2); c.389CTC[1], p.Pro131del (NM_001330749.2); c.1439_1441delCTC (NM_003640.5); short protein forms P480del, P366del, P131del.
Identifiers: ClinVar variation 364575 (VCV000364575.16), dbSNP rs746116617, ClinGen allele CA5175025.